The following is an entry in ClinVar:

NM_147127.5(EVC2):c.550C>T (p.Arg184Cys)

Gene: EVC2 (EvC ciliary complex subunit 2; minus strand). Cytogenetic location: 4p16.2.
Variant type: single nucleotide variant.
Coding change: c.550C>T on transcript NM_147127.5 (MANE Select); coding-DNA position 550, C replaced by T.
Protein change: p.Arg184Cys; replaces arginine 184 with cysteine.
Molecular consequence: missense variant.
Genome position (GRCh38, 1-based): chr4:5,689,313, G>A on the plus strand (C>T on the coding strand, the complement: EVC2 is on the minus strand). VCF-style: chr4-5689313-G-A. GRCh37 (hg19) VCF-style: chr4-5691040-G-A.
Other names: c.310C>T, p.Arg104Cys (NM_001166136.2); short protein forms R184C, R104C.
Identifiers: ClinVar variation 349096 (VCV000349096.12), dbSNP rs773218631, ClinGen allele CA2835404.

ClinVar aggregate classification (germline): Uncertain significance. Review status: criteria provided, multiple submitters, no conflicts (2 of 4 stars). 2 submissions from 2 submitters: Uncertain significance (2). Last evaluated 2022-06-13.

Conditions:
Ellis-van Creveld syndrome (EVC). Also called: EVC-Related Ellis-van Creveld Syndrome; EVC2-Related Ellis-van Creveld Syndrome; MESOECTODERMAL DYSPLASIA; Chondroectodermal dysplasia. Identifiers: Orphanet 289, MedGen C0013903, MONDO:0009162, OMIM 225500.
Curry-Hall syndrome (WAD). Also called: WEYERS ACRODENTAL DYSOSTOSIS. Identifiers: Orphanet 952, MedGen C0457013, MONDO:0008673, OMIM 193530.

Allele frequency attached by ClinVar (database versions not stated): gnomAD 0.00003; TOPMed 0.00005; ExAC 0.00012; gnomAD exomes 0.00013.
gnomAD v4.1: 70 of 1,613,986 alleles (0.0043%); highest among the groups gnomAD compares: East Asian, 0.06%; no homozygotes.

Submissions (2):

Labcorp Genetics (formerly Invitae), Labcorp
Classification: Uncertain significance for Curry-Hall syndrome; Ellis-van Creveld syndrome. Last evaluated: 2022-06-13. Review status: criteria provided, single submitter. Criteria: Invitae Variant Classification Sherloc (09022015). Collection method: clinical testing. Allele origin: germline.
Comment: This sequence change replaces arginine, which is basic and polar, with cysteine, which is neutral and slightly polar, at codon 184 of the EVC2 protein (p.Arg184Cys). This variant is present in population databases (rs773218631, gnomAD 0.1%). This variant has not been reported in the literature in individuals affected with EVC2-related conditions. ClinVar contains an entry for this variant (Variation ID: 349096). Algorithms developed to predict the effect of missense changes on protein structure and function (SIFT, PolyPhen-2, Align-GVGD) all suggest that this variant is likely to be tolerated. In summary, the available evidence is currently insufficient to determine the role of this variant in disease. Therefore, it has been classified as a Variant of Uncertain Significance.

ARUP Laboratories, Molecular Genetics and Genomics, ARUP Laboratories
Classification: Uncertain significance. Last evaluated: 2017-10-24. Review status: criteria provided, single submitter. Criteria: ARUP Molecular Germline Variant Investigation Process. Collection method: clinical testing. Allele origin: germline.